The following is an entry in ClinVar:

NM_182961.4(SYNE1):c.22494+4A>G

Gene: SYNE1 (spectrin repeat containing nuclear envelope protein 1; minus strand). Cytogenetic location: 6q25.2.
Variant type: single nucleotide variant.
Coding change: c.22494+4A>G on transcript NM_182961.4 (MANE Select); 4 bases into the intron after coding-DNA position 22494, A replaced by G.
Molecular consequence: intron variant.
Genome position (GRCh38, 1-based): chr6:152,213,608, T>C on the plus strand (A>G on the coding strand, the complement: SYNE1 is on the minus strand). VCF-style: chr6-152213608-T-C. GRCh37 (hg19) VCF-style: chr6-152534743-T-C.
Other names: c.22281+4A>G (NM_033071.5).
Identifiers: ClinVar variation 2171990 (VCV002171990.4), dbSNP rs769026679, ClinGen allele CA4053878.

ClinVar aggregate classification (germline): Uncertain significance (1 of 4 stars; one submission).

Conditions:
Emery-Dreifuss muscular dystrophy 4, autosomal dominant (EDMD4). Also called: EMERY-DREIFUSS MUSCULAR DYSTROPHY 4 WITH VARIABLE FEATURES. Identifiers: Orphanet 261, MedGen C2751807, MONDO:0013071, OMIM 612998.
Autosomal recessive ataxia, Beauce type. Also called: Spinocerebellar ataxia, autosomal recessive 8; ATAXIA, RECESSIVE, OF BEAUCE; SYNE1-Related Autosomal Recessive Cerebellar Ataxia; SYNE1 Deficiency. Identifiers: Orphanet 88644, MedGen C1853116, MONDO:0012549, OMIM 610743.

Allele frequency attached by ClinVar (database versions not stated): gnomAD exomes below 0.00001; ExAC 0.00002; gnomAD 0.00002; TOPMed 0.00002.
gnomAD v4.1: 18 of 1,614,064 alleles (0.0011%); highest among the groups gnomAD compares: East Asian, 0.0045%; no homozygotes.

Submission:

Labcorp Genetics (formerly Invitae), Labcorp
Classification: Uncertain significance for Emery-Dreifuss muscular dystrophy 4, autosomal dominant; Autosomal recessive ataxia, Beauce type. Last evaluated: 2024-12-04. Review status: criteria provided, single submitter. Criteria: Invitae Variant Classification Sherloc (09022015). Collection method: clinical testing. Allele origin: germline.
Comment: This sequence change falls in intron 122 of the SYNE1 gene. It does not directly change the encoded amino acid sequence of the SYNE1 protein. It affects a nucleotide within the consensus splice site. This variant is present in population databases (rs769026679, gnomAD 0.006%). This variant has not been reported in the literature in individuals affected with SYNE1-related conditions. ClinVar contains an entry for this variant (Variation ID: 2171990). Variants that disrupt the consensus splice site are a relatively common cause of aberrant splicing (PMID: 17576681, 9536098). Algorithms developed to predict the effect of sequence changes on RNA splicing suggest that this variant is not likely to affect RNA splicing. In summary, the available evidence is currently insufficient to determine the role of this variant in disease. Therefore, it has been classified as a Variant of Uncertain Significance.

Literature cited by the submitters: PubMed 17576681; PubMed 9536098.